The following is an entry in ClinVar:

ClinVar aggregate classification (germline): Uncertain significance (1 of 4 stars; one submission).

Conditions:
Gastrointestinal stromal tumor. Also called: Gastrointestinal stromal tumor, somatic; Gastrointestinal stroma tumor. Identifiers: Orphanet 44890, MedGen C0238198, MeSH D046152, MONDO:0011719, OMIM 606764, HP:0100723.

Submission:

Labcorp Genetics (formerly Invitae), Labcorp
Classification: Uncertain significance for Gastrointestinal stromal tumor. Last evaluated: 2024-03-13. Review status: criteria provided, single submitter. Criteria: Invitae Variant Classification Sherloc (09022015). Collection method: clinical testing. Allele origin: germline.
Comment: This sequence change falls in intron 12 of the KIT gene. It does not directly change the encoded amino acid sequence of the KIT protein. This variant is not present in population databases (gnomAD no frequency). This variant has not been reported in the literature in individuals affected with KIT-related conditions. In summary, the available evidence is currently insufficient to determine the role of this variant in disease. Therefore, it has been classified as a Variant of Uncertain Significance.

NM_000222.3(KIT):c.1879+18_1879+19insAAATTAATTAACCACTCATTCATCGACCTCCCCACCCCATCCAACATCTCCGCATGATGAAACTTTGGCTCACTCCTTGGCGC

Gene: KIT (KIT proto-oncogene, receptor tyrosine kinase; plus strand). Cytogenetic location: 4q12.
Variant type: Insertion.
Coding change: c.1879+18_1879+19insAAATTAATTAACCACTCATTCATCGACCTCCCCACCCCATCCAACATCTCCGCATGATGAAACTTTGGCTCACTCCTTGGCGC on transcript NM_000222.3 (MANE Select); bases 18 to 19 of the intron after coding-DNA position 1879, AAATTAATTAACCACTCATTCATCGACCTCCCCACCCCATCCAACATCTCCGCATGATGAAACTTTGGCTCACTCCTTGGCGC inserted.
Molecular consequence: intron variant.
Genome position: GRCh38: chr4:54,727,945-54,727,946. GRCh37 (hg19): chr4:55,594,111-55,594,112.
Other names: c.1882+18_1882+19insAAATTAATTAACCACTCATTCATCGACCTCCCCACCCCATCCAACATCTCCGCATGATGAAACTTTGGCTCACTCCTTGGCGC (NM_001385284.1, NM_001385290.1); c.1870+18_1870+19insAAATTAATTAACCACTCATTCATCGACCTCCCCACCCCATCCAACATCTCCGCATGATGAAACTTTGGCTCACTCCTTGGCGC (NM_001385288.1, NM_001385292.1); c.1879+18_1879+19insAAATTAATTAACCACTCATTCATCGACCTCCCCACCCCATCCAACATCTCCGCATGATGAAACTTTGGCTCACTCCTTGGCGC (NM_001385285.1); c.1867+18_1867+19insAAATTAATTAACCACTCATTCATCGACCTCCCCACCCCATCCAACATCTCCGCATGATGAAACTTTGGCTCACTCCTTGGCGC (NM_001093772.2, NM_001385286.1).
Identifiers: ClinVar variation 3645734 (VCV003645734.2).